The following is an entry in ClinVar:

NC_000022.11:g.40345997G>A

Gene: ADSL (adenylosuccinate lyase; plus strand). Cytogenetic location: 22q13.1.
Variant type: single nucleotide variant.
Genome position: GRCh38 VCF-style: chr22-40345997-G-A. GRCh37 (hg19) VCF-style: chr22-40742001-G-A.
Identifiers: ClinVar variation 1511096 (VCV001511096.6), dbSNP rs376903282, ClinGen allele CA324446476.
Genomic context (GRCh38, chr22:40,345,997, plus strand): 5'-GGCGCAGTAAATGCCGATTTCCCTTGGGTATCTTCATTTCTCCTTAGAGCCGAGCTCGGT[G>A]CGCCGCGGGCAGGAGTGGGTGGGGCGACAGTAATAAGAGTAACAGCAAGCGTACACACGG-3'

ClinVar aggregate classification (germline): Uncertain significance (1 of 4 stars; one submission).

Conditions:
Adenylosuccinate lyase deficiency (ADSLD). Also called: ADSL DEFICIENCY. Identifiers: Orphanet 46, MedGen C0268126, MONDO:0007068, OMIM 103050.

Allele frequency attached by ClinVar (database versions not stated): gnomAD 0.00001 and 0.00002; TOPMed 0.00001; 1000 Genomes Project 30x 0.00016.

Submission:

Labcorp Genetics (formerly Invitae), Labcorp
Classification: Uncertain significance for Adenylosuccinate lyase deficiency. Last evaluated: 2024-05-15. Review status: criteria provided, single submitter. Criteria: Invitae Variant Classification Sherloc (09022015). Collection method: clinical testing. Allele origin: germline.
Comment: This variant occurs in a non-coding region of the ADSL gene. It does not change the encoded amino acid sequence of the ADSL protein. This variant is present in population databases (rs376903282, gnomAD 0.1%). This variant has not been reported in the literature in individuals affected with ADSL-related conditions. Experimental studies and prediction algorithms are not available or were not evaluated, and the functional significance of this variant is currently unknown. In summary, the available evidence is currently insufficient to determine the role of this variant in disease. Therefore, it has been classified as a Variant of Uncertain Significance.